The following is an entry in ClinVar:

ClinVar aggregate classification (germline): Likely benign (1 of 4 stars; one submission).

Allele frequency attached by ClinVar (database versions not stated): ExAC 0.00218; 1000 Genomes Project 0.00260; 1000 Genomes Project 30x 0.00265; gnomAD 0.00382; TOPMed 0.00394; gnomAD exomes 0.00437.
gnomAD v4.1: 2,957 of 691,642 alleles (0.43%); highest among the groups gnomAD compares: Non-Finnish European, 0.62%; 13 homozygotes.

Submission:

CeGaT Center for Human Genetics Tuebingen
Classification: Likely benign. Last evaluated: 2023-04-01. Review status: criteria provided, single submitter. Criteria: CeGaT Center For Human Genetics Tuebingen Variant Classification Criteria Version 2. Collection method: clinical testing. Allele origin: germline. Affected: yes. Observed: 1 variant allele.
Comment: GJE1: BS2

NM_001358410.2(GJE1):c.437A>C (p.Tyr146Ser)

Genes: GJE1 (gap junction protein epsilon 1; plus strand), NMBR (neuromedin B receptor; minus strand). Cytogenetic location: 6q24.1.
Variant type: single nucleotide variant.
Coding change: c.437A>C on transcript NM_001358410.2 (MANE Select); coding-DNA position 437, A replaced by C.
Protein change: p.Tyr146Ser; replaces tyrosine 146 with serine.
Molecular consequence: missense variant. On other transcripts: intron variant (3).
Genome position (GRCh38, 1-based): chr6:142,134,741, A>C. VCF-style: chr6-142134741-A-C. GRCh37 (hg19) VCF-style: chr6-142455878-A-C.
Other names: c.-23+12303T>G (NM_001324308.2); c.-664+12303T>G (NM_002511.4); c.-23+7815T>G (NM_001324307.2); short protein forms Y146S.
Identifiers: ClinVar variation 2656946 (VCV002656946.24), dbSNP rs13192882, ClinGen allele CA4026165.
Genomic context (GRCh38, chr6:142,134,741, plus strand): 5'-TAGCGGCAATAGCATTCTGGCTTCAGATTTACCTCTTTGGTTTCCAAGTAAAATCTCTTT[A>C]CCTGTGTGATGCTAGATCTCTTGGGGAAAACATGATTATAAGATGCATGGTTCCAGAACA-3'
Protein context (NP_001345339.1, residues 136-156): YLFGFQVKSL[Tyr146Ser]LCDARSLGEN